The following is an entry in ClinVar:

ClinVar aggregate classification (germline): Benign/Likely benign. Review status: criteria provided, multiple submitters, no conflicts (2 of 4 stars). 13 submissions from 10 submitters: Benign (4); Likely benign (9). Last evaluated 2026-02-02.

Conditions:
Hereditary cancer-predisposing syndrome. Also called: Hereditary Cancer Syndrome; Hereditary neoplastic syndrome; Tumor predisposition; Neoplastic Syndromes, Hereditary. Identifiers: Orphanet 140162, MedGen C0027672, MeSH D009386, MONDO:0015356.
Pheochromocytoma. Also called: MAX-Related Hereditary Paraganglioma-Pheochromocytoma Syndrome. Identifiers: Orphanet 29072, MedGen C0031511, MONDO:0008233, OMIM 171300, HP:0002666.
Renal hypodysplasia/aplasia 1 (RHDA1). Also called: RENAL APLASIA; HEREDITARY RENAL APLASIA. Identifiers: Orphanet 411709, MedGen C1619700, MONDO:0024519, OMIM 191830.
Hirschsprung disease, susceptibility to, 1 (HSCR1). Also called: RET-Related Hirschsprung Disease. Identifiers: Orphanet 388, MedGen C3888239, MONDO:0007723, OMIM 142623.
Multiple endocrine neoplasia. Identifiers: Orphanet 276161, MedGen C0027662, MONDO:0017169.
Multiple endocrine neoplasia, type 2 (MEN2). Identifiers: Orphanet 653, MedGen C4048306, MONDO:0019003. Disease mechanism: gain of function.
Multiple endocrine neoplasia type 2A. Also called: Multiple Endocrine Neoplasia Type 2A (MEN2A); MULTIPLE ENDOCRINE NEOPLASIA, TYPE IIA; PTC SYNDROME; SIPPLE SYNDROME; MEN 2A; MEN-2A syndrome. Identifiers: Orphanet 247698, Orphanet 653, MedGen C0025268, MeSH D018813, MONDO:0008234, OMIM 171400.

Allele frequency attached by ClinVar (database versions not stated): gnomAD 0.00005; TOPMed 0.00005; gnomAD exomes 0.00008 and 0.00014; ExAC 0.00014; 1000 Genomes Project 30x 0.00016; 1000 Genomes Project 0.00020.
gnomAD v4.1: 118 of 1,607,952 alleles (0.0073%); highest among the groups gnomAD compares: Middle Eastern, 0.038%; no homozygotes.

Submissions (13):

Labcorp Genetics (formerly Invitae), Labcorp
Classification: Likely benign for Multiple endocrine neoplasia, type 2. Last evaluated: 2026-02-02. Review status: criteria provided, single submitter. Criteria: Invitae Variant Classification Sherloc (09022015). Collection method: clinical testing. Allele origin: germline.

Myriad Genetics, Inc.
Classification: Benign for Multiple endocrine neoplasia type 2A. Last evaluated: 2025-02-27. Review status: criteria provided, single submitter. Criteria: Myriad Autosomal Dominant, Autosomal Recessive and X-Linked Classification Criteria (2023). Collection method: clinical testing. Allele origin: unknown.
Comment: This variant is considered benign. This variant is a silent/synonymous amino acid change and it is not expected to impact splicing.

Laboratory of Genetics, Children's Clinical University Hospital Latvia
Classification: Likely benign. Last evaluated: 2025-02-16. Review status: criteria provided, single submitter. Criteria: ACMG Guidelines, 2015. Collection method: clinical testing. Allele origin: germline. Affected: yes.

KCCC/NGS Laboratory, Kuwait Cancer Control Center
Classification: Benign for Pheochromocytoma. Last evaluated: 2025-02-01. Review status: criteria provided, single submitter. Criteria: ACMG Guidelines, 2015. Collection method: clinical testing. Allele origin: germline. Affected: no.

Blueprint Genetics
Classification: Likely benign. Last evaluated: 2024-07-26. Review status: criteria provided, single submitter. Criteria: ACMG Guidelines, 2015. Collection method: clinical testing. Allele origin: germline.

CeGaT Center for Human Genetics Tuebingen
Classification: Likely benign. Last evaluated: 2023-08-01. Review status: criteria provided, single submitter. Criteria: CeGaT Center For Human Genetics Tuebingen Variant Classification Criteria Version 2. Collection method: clinical testing. Allele origin: germline. Affected: yes. Observed: 3 variant alleles.
Comment: RET: BP4, BP7

Color Diagnostics, LLC DBA Color Health
Classification: Likely benign for Multiple endocrine neoplasia, type 2. Last evaluated: 2022-09-29. Review status: criteria provided, single submitter. Criteria: ACMG Guidelines, 2015. Collection method: clinical testing. Allele origin: germline.

Genetic Services Laboratory, University of Chicago
Classification: Likely benign. Last evaluated: 2020-12-03. Review status: criteria provided, single submitter. Criteria: ACMG Guidelines, 2015. Collection method: clinical testing. Allele origin: germline. Affected: no.

Illumina Laboratory Services, Illumina
Classification: Benign for Multiple endocrine neoplasia. Last evaluated: 2018-02-12. Review status: criteria provided, single submitter. Criteria: ICSL Variant Classification Criteria 13 December 2019. Collection method: clinical testing. Allele origin: germline.
Comment: This variant was observed as part of a predisposition screen in an ostensibly healthy population. A literature search was performed for the gene, cDNA change, and amino acid change (where applicable). No publications were found based on this search. Allele frequency data from public databases was too high to be consistent with this variant causing disease. Therefore, this variant is classified as benign.

Illumina Laboratory Services, Illumina
Classification: Benign for Pheochromocytoma. Last evaluated: 2018-02-12. Review status: criteria provided, single submitter. Criteria: ICSL Variant Classification Criteria 13 December 2019. Collection method: clinical testing. Allele origin: germline.
Comment: the same text as in the submission from Illumina Laboratory Services, Illumina above.

Illumina Laboratory Services, Illumina
Classification: Likely benign for Renal hypodysplasia/aplasia 1. Last evaluated: 2018-02-12. Review status: criteria provided, single submitter. Criteria: ICSL Variant Classification Criteria 13 December 2019. Collection method: clinical testing. Allele origin: germline.
Comment: This variant was observed as part of a predisposition screen in an ostensibly healthy population. A literature search was performed for the gene, cDNA change, and amino acid change (where applicable). No publications were found based on this search. Allele frequency data from public databases allowed determination this variant is unlikely to cause disease. Therefore, this variant is classified as likely benign.

Illumina Laboratory Services, Illumina
Classification: Likely benign for Hirschsprung disease, susceptibility to, 1. Last evaluated: 2018-02-12. Review status: criteria provided, single submitter. Criteria: ICSL Variant Classification Criteria 13 December 2019. Collection method: clinical testing. Allele origin: germline.
Comment: the same text as in the submission from Illumina Laboratory Services, Illumina above.

Ambry Genetics
Classification: Likely benign for Hereditary cancer-predisposing syndrome. Last evaluated: 2016-02-05. Review status: criteria provided, single submitter. Criteria: Ambry Variant Classification Scheme 2023. Collection method: clinical testing. Allele origin: germline.

NM_020975.6(RET):c.2418C>T (p.Tyr806=)

Gene: RET (ret proto-oncogene; plus strand). Cytogenetic location: 10q11.21.
Variant type: single nucleotide variant.
Coding change: c.2418C>T on transcript NM_020975.6 (MANE Select); coding-DNA position 2418, C replaced by T.
Protein change: p.Tyr806=; no amino-acid change (tyrosine 806 retained).
Molecular consequence: synonymous variant.
Genome position (GRCh38, 1-based): chr10:43,119,556, C>T. VCF-style: chr10-43119556-C-T. GRCh37 (hg19) VCF-style: chr10-43615004-C-T.
Other names: c.2418C>T, p.Tyr806= (NM_000323.2, NM_001406743.1, NM_001406744.1 and 4 more transcripts); c.1656C>T, p.Tyr552= (NM_001355216.2); c.2289C>T, p.Tyr763= (NM_001406761.1, NM_001406762.1, NM_001406764.1); c.2283C>T, p.Tyr761= (NM_001406763.1, NM_001406765.1); c.2130C>T, p.Tyr710= (NM_001406766.1, NM_001406767.1, NM_001406770.1); c.2154C>T, p.Tyr718= (NM_001406768.1); c.2022C>T, p.Tyr674= (NM_001406769.1, NM_001406772.1); c.1980C>T, p.Tyr660= (NM_001406771.1, NM_001406773.1); and 10 more.
Identifiers: ClinVar variation 477349 (VCV000477349.59), dbSNP rs553418132, ClinGen allele CA039132.
Genomic context (GRCh38, chr10:43,119,556, plus strand): 5'-CCCGCACGCCCAGGGCCCCCTCTCTCCGCCCCCAGGCCCGCTCCTCCTCATCGTGGAGTA[C>T]GCCAAATACGGCTCCCTGCGGGGCTTCCTCCGCGAGAGCCGCAAAGTGGGGCCTGGCTAC-3'
Protein context (NP_066124.1, residues 796-816): QDGPLLLIVE[Tyr806=]AKYGSLRGFL